The following is an entry in ClinVar:

ClinVar aggregate classification (germline): Uncertain significance (1 of 4 stars; one submission).

Conditions:
Fanconi anemia complementation group O. Also called: RAD51C-Related Fanconi Anemia. Identifiers: Orphanet 84, MedGen C3150653, MONDO:0013248, OMIM 613390.

Submission:

Labcorp Genetics (formerly Invitae), Labcorp
Classification: Uncertain significance for Fanconi anemia complementation group O. Last evaluated: 2024-05-02. Review status: criteria provided, single submitter. Criteria: Invitae Variant Classification Sherloc (09022015). Collection method: clinical testing. Allele origin: germline.
Comment: This sequence change replaces leucine, which is neutral and non-polar, with serine, which is neutral and polar, at codon 117 of the RAD51C protein (p.Leu117Ser). This variant is not present in population databases (gnomAD no frequency). This variant has not been reported in the literature in individuals affected with RAD51C-related conditions. ClinVar contains an entry for this variant (Variation ID: 650408). Advanced modeling of protein sequence and biophysical properties (such as structural, functional, and spatial information, amino acid conservation, physicochemical variation, residue mobility, and thermodynamic stability) performed at Invitae indicates that this missense variant is not expected to disrupt RAD51C protein function with a negative predictive value of 80%. In summary, the available evidence is currently insufficient to determine the role of this variant in disease. Therefore, it has been classified as a Variant of Uncertain Significance.

NM_058216.3(RAD51C):c.350T>C (p.Leu117Ser)

Gene: RAD51C (RAD51 paralog C; plus strand). Cytogenetic location: 17q22.
Variant type: single nucleotide variant.
Coding change: c.350T>C on transcript NM_058216.3 (MANE Select); coding-DNA position 350, T replaced by C.
Protein change: p.Leu117Ser; replaces leucine 117 with serine.
Molecular consequence: missense variant. On other transcripts: non-coding transcript variant (2).
Genome position (GRCh38, 1-based): chr17:58,695,135, T>C. VCF-style: chr17-58695135-T-C. GRCh37 (hg19) VCF-style: chr17-56772496-T-C.
Other names: c.350T>C, p.Leu117Ser (NM_002876.4); short protein forms L117S.
Identifiers: ClinVar variation 650408 (VCV000650408.8), dbSNP rs1598456283, ClinGen allele CA400341532.